The following is an entry in ClinVar:

NM_001045.6(SLC6A4):c.1745dup (p.Thr583fs)

Gene: SLC6A4 (solute carrier family 6 member 4; minus strand). Cytogenetic location: 17q11.2.
Variant type: Duplication.
Coding change: c.1745dup on transcript NM_001045.6 (MANE Select); coding-DNA position 1745, one base duplicated (G; older notation c.1745dupG).
Protein change: p.Thr583fs; shifts the reading frame from threonine 583.
Molecular consequence: frameshift variant.
Genome position (GRCh38, 1-based): chr17:30,203,245, C duplicated on the plus strand (G on the coding strand, the reverse complement: SLC6A4 is on the minus strand); the first of 2 consecutive C bases (chr17:30,203,245-30,203,246); duplicating either gives the same sequence. VCF-style (leftmost placement, unchanged base first): chr17-30203244-T-TC. GRCh37 (hg19) VCF-style: chr17-28530262-T-TC.
Other names: p.Thr583AsnfsTer23; short protein forms T583fs.
Identifiers: ClinVar variation 1300132 (VCV001300132.3), dbSNP rs2143013401, ClinGen allele CA2573054364.

ClinVar aggregate classification (germline): Likely pathogenic (1 of 4 stars; one submission).

Conditions:
Obsessive-compulsive disorder (OCD). Identifiers: MedGen C0028768, MONDO:0008114, OMIM 164230.

Submission:

Foundation for Research in Genetics and Endocrinology, FRIGE's Institute of Human Genetics
Classification: Likely pathogenic for Obsessive-compulsive disorder. Last evaluated: 2020-12-05. Review status: criteria provided, single submitter. Criteria: ACMG Guidelines, 2015. Collection method: research. Allele origin: maternal. Inheritance: Sex-limited autosomal dominant. Affected: yes. Observed: 1 heterozygote.
Comment: A heterozygous frameshift variation in exon 14 of the SLC6A4 gene that results in the termination of amino acid 23 codons downstream of Threonine at codon 583 was detected. The observed variant c.1745dup (p.Thr583AsnfsTer23) has not been reported in the 1000 genomes and gnomAD databases. The in silico prediction of the variant is pathogenic by GERP. The reference codon is conserved across species. In summary, the variant meets our criteria to be classified as a likely pathogenic variant.